The following is an entry in ClinVar:

NM_172107.4(KCNQ2):c.829A>G (p.Thr277Ala)

Gene: KCNQ2 (potassium voltage-gated channel subfamily Q member 2; minus strand). Cytogenetic location: 20q13.33.
Variant type: single nucleotide variant.
Coding change: c.829A>G on transcript NM_172107.4 (MANE Select); coding-DNA position 829, A replaced by G.
Protein change: p.Thr277Ala; replaces threonine 277 with alanine.
Molecular consequence: missense variant.
Genome position (GRCh38, 1-based): chr20:63,439,696, T>C on the plus strand (A>G on the coding strand, the complement: KCNQ2 is on the minus strand). VCF-style: chr20-63439696-T-C. GRCh37 (hg19) VCF-style: chr20-62071049-T-C.
Other names: c.829A>G, p.Thr277Ala (NM_001382235.1, NM_004518.6, NM_172106.3 and 2 more transcripts); short protein forms T277A.
Identifiers: ClinVar variation 2500737 (VCV002500737.2), dbSNP rs1555870554, ClinGen allele CA409652740.

ClinVar aggregate classification (germline): Pathogenic (1 of 4 stars; one submission).

Conditions:
Developmental and epileptic encephalopathy, 7 (DEE7). Also called: Early infantile epileptic encephalopathy 7; KCNQ2-Related Neonatal-Onset Developmental and Epileptic Encephalopathy (NEO-DEE); KCNQ2-Related Neonatal Epileptic Encephalopathy. Identifiers: Orphanet 439218, MedGen C3150986, MONDO:0013387, OMIM 613720.

Submission:

Victorian Clinical Genetics Services, Murdoch Childrens Research Institute
Classification: Pathogenic for Developmental and epileptic encephalopathy, 7. Last evaluated: 2022-09-02. Review status: criteria provided, single submitter. Criteria: ACMG Guidelines, 2015. Collection method: clinical testing. Allele origin: germline. Inheritance: Autosomal dominant inheritance. Affected: yes.
Comment: Based on the classification scheme VCGS_Germline_v1.1.1, this variant is classified as Pathogenic. Following criteria are met: 0102 - Loss-of-function is a known mechanism of disease for this gene. Multiple premature termination codon variants resulting in loss of protein function have been reported in this gene (ClinVar). (N) 0104 - Dominant Negative is a mechanism of disease for this gene. Missense variants have been shown to have dominant-negative effects on the protein (PMID 24318194). (N) 0107 - This gene is known to be associated with autosomal dominant disease. (N) 0200 - Variant is predicted to result in a missense amino acid change from a threonine to an alanine. (N) 0251 - Variant is heterozygous. (N) 0301 - Variant is absent from gnomAD. (P) 0501 - Missense variant consistently predicted to be damaging by multiple in silico tools or highly conserved with a major amino acid change. (P) 0602 - Variant is located in a hotspot region or cluster of pathogenic variants (Ion transport domain). (P) 0603 - Missense variant in a region that is highly intolerant to missense variation (high constraint region). (N) 0703 - Comparable variants have moderate previous evidence for pathogenicity. Two alternate changes, p.(Thr277Ile) and (p.Thr277Ser), including de novo reports have been reported in cases of infantile epileptic encephalopathy (ClinVar; PMID 26544041; PMID 28926830; PMID 31780880). (P) 0802 - Moderate previous evidence of pathogenicity in unrelated individuals. This variant has been reported de novo in a patient with pediatric epilepsy (PMID 30182498). (P) 1002 - Moderate functional evidence supporting abnormal protein function. Transfected cells expressing this variant have been shown to have abolished channel function (PMID 17435769). (P) Legend: (P) - Pathogenic, (N) - Neutral, (B) - Benign

Literature cited by the submitters: PubMed 17435769; PubMed 24318194; PubMed 26544041; PubMed 28926830; PubMed 30182498; PubMed 31780880.